The following is an entry in ClinVar:

NM_004793.4(LONP1):c.2868C>T (p.Ala956=)

Gene: LONP1 (lon peptidase 1, mitochondrial; minus strand). Cytogenetic location: 19p13.3.
Variant type: single nucleotide variant.
Coding change: c.2868C>T on transcript NM_004793.4 (MANE Select); coding-DNA position 2868, C replaced by T.
Protein change: p.Ala956=; no amino-acid change (alanine 956 retained).
Molecular consequence: synonymous variant. On other transcripts: non-coding transcript variant (1).
Genome position (GRCh38, 1-based): chr19:5,692,044, G>A on the plus strand (C>T on the coding strand, the complement: LONP1 is on the minus strand). VCF-style: chr19-5692044-G-A. GRCh37 (hg19) VCF-style: chr19-5692055-G-A.
Other names: c.2676C>T, p.Ala892= (NM_001276479.2); c.2280C>T, p.Ala760= (NM_001276480.1).
Identifiers: ClinVar variation 1542198 (VCV001542198.26), dbSNP rs775074338, ClinGen allele CA9113923.

ClinVar aggregate classification (germline): Likely benign. Review status: criteria provided, multiple submitters, no conflicts (2 of 4 stars). 3 submissions from 3 submitters: Likely benign (3). Last evaluated 2026-07-01.

gnomAD v4.1: 41 of 1,517,916 alleles (0.0027%); highest among the groups gnomAD compares: Middle Eastern, 0.053%; no homozygotes.

Submissions (3):

CeGaT Center for Human Genetics Tuebingen
Classification: Likely benign. Last evaluated: 2026-07-01. Review status: criteria provided, single submitter. Criteria: CeGaT Center For Human Genetics Tuebingen Variant Classification Criteria Version 2. Collection method: clinical testing. Allele origin: germline. Affected: yes. Observed: 2 variant alleles.
Comment: LONP1: BP4, BP7

Labcorp Genetics (formerly Invitae), Labcorp
Classification: Likely benign. Last evaluated: 2025-11-26. Review status: criteria provided, single submitter. Criteria: Invitae Variant Classification Sherloc (09022015). Collection method: clinical testing. Allele origin: germline.

Blueprint Genetics
Classification: Likely benign. Last evaluated: 2024-10-25. Review status: criteria provided, single submitter. Criteria: ACMG Guidelines, 2015. Collection method: clinical testing. Allele origin: germline.